The following is an entry in ClinVar:

ClinVar aggregate classification (germline): Uncertain significance (1 of 4 stars; one submission).

Conditions:
Hereditary cancer-predisposing syndrome. Also called: Neoplastic Syndromes, Hereditary; Hereditary Cancer Syndrome; Tumor predisposition; Hereditary neoplastic syndrome. Identifiers: Orphanet 140162, MedGen C0027672, MeSH D009386, MONDO:0015356.

Submission:

Ambry Genetics
Classification: Uncertain significance for Hereditary cancer-predisposing syndrome. Last evaluated: 2025-02-22. Review status: criteria provided, single submitter. Criteria: Ambry Variant Classification Scheme 2023. Collection method: clinical testing. Allele origin: germline.
Comment: The p.G109E variant (also known as c.326G>A), located in coding exon 3 of the SUFU gene, results from a G to A substitution at nucleotide position 326. The glycine at codon 109 is replaced by glutamic acid, an amino acid with similar properties. This amino acid position is conserved. In addition, this alteration is predicted to be deleterious by in silico analysis. Based on the available evidence, the clinical significance of this variant remains unclear.

NM_016169.4(SUFU):c.326G>A (p.Gly109Glu)

Gene: SUFU (SUFU negative regulator of hedgehog signaling; plus strand). Cytogenetic location: 10q24.32.
Variant type: single nucleotide variant.
Coding change: c.326G>A on transcript NM_016169.4 (MANE Select); coding-DNA position 326, G replaced by A.
Protein change: p.Gly109Glu; replaces glycine 109 with glutamic acid.
Molecular consequence: missense variant.
Genome position (GRCh38, 1-based): chr10:102,549,978, G>A. VCF-style: chr10-102549978-G-A. GRCh37 (hg19) VCF-style: chr10-104309735-G-A.
Other names: c.326G>A, p.Gly109Glu (NM_001178133.2); short protein forms G109E.
Identifiers: ClinVar variation 3802908 (VCV003802908.1).
Genomic context (GRCh38, chr10:102,549,978, plus strand): 5'-TGTTTTTCCTAAGGTAATTGAGCTTAAAACACTTGCTTTTTATGTCTTTCAGGTTTACAG[G>A]AACAGATGGACCTAGTGGTTTTGGCTTTGAGTTGACCTTTCGTCTGAAGAGAGAAACTGG-3'
Protein context (NP_057253.2, residues 99-119): YGDNRVHEFT[Gly109Glu]TDGPSGFGFE